The following is an entry in ClinVar:

NM_014251.3(SLC25A13):c.134T>G (p.Leu45Trp)

Gene: SLC25A13 (solute carrier family 25 member 13; minus strand). Cytogenetic location: 7q21.3.
Variant type: single nucleotide variant.
Coding change: c.134T>G on transcript NM_014251.3 (MANE Select); coding-DNA position 134, T replaced by G.
Protein change: p.Leu45Trp; replaces leucine 45 with tryptophan.
Molecular consequence: missense variant. On other transcripts: non-coding transcript variant (1).
Genome position (GRCh38, 1-based): chr7:96,277,274, A>C on the plus strand (T>G on the coding strand, the complement: SLC25A13 is on the minus strand). VCF-style: chr7-96277274-A-C. GRCh37 (hg19) VCF-style: chr7-95906586-A-C.
Other names: c.134T>G, p.Leu45Trp (NM_001160210.2); short protein forms L45W.
Identifiers: ClinVar variation 4717217 (VCV004717217.1).

ClinVar aggregate classification (germline): Uncertain significance (1 of 4 stars; one submission).

Conditions:
Citrin deficiency. Identifiers: Orphanet 247582, MedGen C1997910, MONDO:0016602.

gnomAD v4.1: 1 of 1,612,714 alleles (0.000062%); highest among the groups gnomAD compares: Non-Finnish European, 0.000085%; no homozygotes.

Submission:

Labcorp Genetics (formerly Invitae), Labcorp
Classification: Uncertain significance for Citrin deficiency. Last evaluated: 2025-03-17. Review status: criteria provided, single submitter. Criteria: Invitae Variant Classification Sherloc (09022015). Collection method: clinical testing. Allele origin: germline.
Comment: This sequence change replaces leucine, which is neutral and non-polar, with tryptophan, which is neutral and slightly polar, at codon 45 of the SLC25A13 protein (p.Leu45Trp). This variant is not present in population databases (gnomAD no frequency). This variant has not been reported in the literature in individuals affected with SLC25A13-related conditions. Invitae Evidence Modeling of protein sequence and biophysical properties (such as structural, functional, and spatial information, amino acid conservation, physicochemical variation, residue mobility, and thermodynamic stability) indicates that this missense variant is expected to disrupt SLC25A13 protein function with a positive predictive value of 95%. In summary, the available evidence is currently insufficient to determine the role of this variant in disease. Therefore, it has been classified as a Variant of Uncertain Significance.